The following is an entry in ClinVar:

NM_015599.3(PGM3):c.404A>G (p.Lys135Arg)

Gene: PGM3 (phosphoglucomutase 3; minus strand). Cytogenetic location: 6q14.1.
Variant type: single nucleotide variant.
Coding change: c.404A>G on transcript NM_015599.3 (MANE Select); coding-DNA position 404, A replaced by G.
Protein change: p.Lys135Arg; replaces lysine 135 with arginine.
Molecular consequence: missense variant. On other transcripts: non-coding transcript variant (1).
Genome position (GRCh38, 1-based): chr6:83,187,061, T>C on the plus strand (A>G on the coding strand, the complement: PGM3 is on the minus strand). VCF-style: chr6-83187061-T-C. GRCh37 (hg19) VCF-style: chr6-83896780-T-C.
Other names: c.488A>G, p.Lys163Arg (NM_001199917.2, NM_001367287.1); c.161A>G, p.Lys54Arg (NM_001199918.2); c.404A>G, p.Lys135Arg (NM_001199919.2, NM_001367286.1); short protein forms K163R, K54R, K135R.
Identifiers: ClinVar variation 937051 (VCV000937051.7), dbSNP rs988238790, ClinGen allele CA141909484.
Genomic context (GRCh38, chr6:83,187,061, plus strand): 5'-TACATACCATGGAATTGACCTCCTAGAACAGTCACACCATCTATTACAGATTGTGAAAGT[T>C]TCTCACTGCTGGGCCTAGGAAAGAAAAGGAAGAAAATAATATATCCCATCCTGAAACTGG-3'
Protein context (NP_056414.1, residues 125-145): IGRDTRPSSE[Lys135Arg]LSQSVIDGVT

ClinVar aggregate classification (germline): Uncertain significance (1 of 4 stars; one submission).

Conditions:
Immunodeficiency 23 (IMD23). Also called: IMMUNODEFICIENCY WITH HYPER IgE AND COGNITIVE IMPAIRMENT; IMMUNODEFICIENCY-VASCULITIS-MYOCLONUS SYNDROME. Identifiers: Orphanet 443811, MedGen C4014371, MONDO:0014353, OMIM 615816.

Allele frequency attached by ClinVar (database versions not stated): gnomAD exomes below 0.00001 and 0.00001; gnomAD 0.00001; TOPMed 0.00002.

Submission:

Labcorp Genetics (formerly Invitae), Labcorp
Classification: Uncertain significance for Immunodeficiency 23. Last evaluated: 2022-03-26. Review status: criteria provided, single submitter. Criteria: Invitae Variant Classification Sherloc (09022015). Collection method: clinical testing. Allele origin: germline.
Comment: This sequence change replaces lysine, which is basic and polar, with arginine, which is basic and polar, at codon 163 of the PGM3 protein (p.Lys163Arg). This variant is present in population databases (no rsID available, gnomAD 0.006%). This variant has not been reported in the literature in individuals affected with PGM3-related conditions. ClinVar contains an entry for this variant (Variation ID: 937051). Algorithms developed to predict the effect of missense changes on protein structure and function output the following: SIFT: "Tolerated"; PolyPhen-2: "Benign"; Align-GVGD: "Class C0". The arginine amino acid residue is found in multiple mammalian species, which suggests that this missense change does not adversely affect protein function. In summary, the available evidence is currently insufficient to determine the role of this variant in disease. Therefore, it has been classified as a Variant of Uncertain Significance.